The following is an entry in ClinVar:

ClinVar aggregate classification (germline): Uncertain significance. Review status: criteria provided, multiple submitters, no conflicts (2 of 4 stars). 2 submissions from 2 submitters: Uncertain significance (2). Last evaluated 2025-02-03.

Conditions:
Inborn genetic diseases. Identifiers: MedGen C0950123, MeSH D030342.

gnomAD v4.1: 2 of 1,614,062 alleles (0.00012%); highest among the groups gnomAD compares: Non-Finnish European, 0.00017%; no homozygotes.

Submissions (2):

Ambry Genetics
Classification: Uncertain significance for Inborn genetic diseases. Last evaluated: 2025-02-03. Review status: criteria provided, single submitter. Criteria: Ambry Variant Classification Scheme 2023. Collection method: clinical testing. Allele origin: germline.
Comment: The p.A162T variant (also known as c.484G>A), located in coding exon 3 of the MBD4 gene, results from a G to A substitution at nucleotide position 484. The alanine at codon 162 is replaced by threonine, an amino acid with similar properties. This amino acid position is conserved. In addition, this alteration is predicted to be tolerated by in silico analysis. Based on the available evidence, the clinical significance of this variant remains unclear.

Labcorp Genetics (formerly Invitae), Labcorp
Classification: Uncertain significance. Last evaluated: 2024-04-29. Review status: criteria provided, single submitter. Criteria: Invitae Variant Classification Sherloc (09022015). Collection method: clinical testing. Allele origin: germline.
Comment: This sequence change replaces alanine, which is neutral and non-polar, with threonine, which is neutral and polar, at codon 162 of the MBD4 protein (p.Ala162Thr). This variant is not present in population databases (gnomAD no frequency). This variant has not been reported in the literature in individuals affected with MBD4-related conditions. An algorithm developed to predict the effect of missense changes on protein structure and function (PolyPhen-2) suggests that this variant¬†is likely to be tolerated. In summary, the available evidence is currently insufficient to determine the role of this variant in disease. Therefore, it has been classified as a Variant of Uncertain Significance.

NM_001276270.2(MBD4):c.484G>A (p.Ala162Thr)

Gene: MBD4 (methyl-CpG binding domain 4, DNA glycosylase; minus strand). Cytogenetic location: 3q21.3.
Variant type: single nucleotide variant.
Coding change: c.484G>A on transcript NM_001276270.2 (MANE Select); coding-DNA position 484, G replaced by A.
Protein change: p.Ala162Thr; replaces alanine 162 with threonine.
Molecular consequence: missense variant. On other transcripts: intron variant (1).
Genome position (GRCh38, 1-based): chr3:129,437,160, C>T on the plus strand (G>A on the coding strand, the complement: MBD4 is on the minus strand). VCF-style: chr3-129437160-C-T. GRCh37 (hg19) VCF-style: chr3-129156003-C-T.
Other names: c.484G>A, p.Ala162Thr (NM_001276271.2, NM_001276272.2, NM_003925.3); c.247+648G>A (NM_001276273.2); short protein forms A162T.
Identifiers: ClinVar variation 3672261 (VCV003672261.2).
Genomic context (GRCh38, chr3:129,437,160, plus strand): 5'-TTCGGGTCCTGAGGTTCCAGTTTGAATTGTTACTTTGGTTTTGTAGATGGGATGTCAGGG[C>T]TGCCATGCTGCAGTCTTTATATCTTGACTTGATACCCCTTTTAGAAAGTACAGTAAAATC-3'
Protein context (NP_001263199.1, residues 152-172): KSRYKDCSMA[Ala162Thr]LTSHLQNQSN